The following is an entry in ClinVar:

ClinVar aggregate classification (germline): Benign/Likely benign. Review status: criteria provided, multiple submitters, no conflicts (2 of 4 stars). 9 submissions from 9 submitters: Benign (1); Likely benign (7). 1 of the submissions does not count toward it. Last evaluated 2025-12-21.

Conditions:
Aortic aneurysm, familial thoracic 4 (AAT4). Also called: AORTIC ANEURYSM/AORTIC DISSECTION AND PATENT DUCTUS ARTERIOSUS. Identifiers: MedGen C1851504, MONDO:0007568, OMIM 132900.
Visceral myopathy 2. Identifiers: MedGen C5543466, MONDO:0859157, OMIM 619350.
Megacystis-microcolon-intestinal hypoperistalsis syndrome 2. Identifiers: MedGen C5543476, MONDO:0025708, OMIM 619351.
Familial thoracic aortic aneurysm and aortic dissection (TAAD). Also called: Thoracic aortic aneurysms and dissections. Identifiers: Orphanet 91387, MedGen C4707243, MONDO:0019625.

Allele frequency attached by ClinVar (database versions not stated): ExAC 0.00007; gnomAD exomes 0.00010 and 0.00013; gnomAD 0.00012 and 0.00013; TOPMed 0.00013; ESP Exome Variant Server 0.00016.
gnomAD v4.1: 203 of 1,613,734 alleles (0.013%); highest among the groups gnomAD compares: Non-Finnish European, 0.016%; no homozygotes.

Submissions (9):

Labcorp Genetics (formerly Invitae), Labcorp
Classification: Likely benign for Aortic aneurysm, familial thoracic 4. Last evaluated: 2025-12-21. Review status: criteria provided, single submitter. Criteria: Invitae Variant Classification Sherloc (09022015). Collection method: clinical testing. Allele origin: germline.

ARUP Laboratories, Molecular Genetics and Genomics, ARUP Laboratories
Classification: Likely benign. Last evaluated: 2024-11-04. Review status: criteria provided, single submitter. Criteria: ARUP Molecular Germline Variant Investigation Process 2024. Collection method: clinical testing. Allele origin: germline.

Blueprint Genetics
Classification: Likely benign. Last evaluated: 2024-07-01. Review status: criteria provided, single submitter. Criteria: ACMG Guidelines, 2015. Collection method: clinical testing. Allele origin: germline.

Fulgent Genetics
Classification: Likely benign for Aortic aneurysm, familial thoracic 4; Visceral myopathy 2; Megacystis-microcolon-intestinal hypoperistalsis syndrome 2. Last evaluated: 2021-09-28. Review status: criteria provided, single submitter. Criteria: ACMG Guidelines, 2015. Collection method: clinical testing. Allele origin: unknown.

Women's Health and Genetics/Laboratory Corporation of America, LabCorp
Classification: Benign. Last evaluated: 2021-07-12. Review status: criteria provided, single submitter. Criteria: LabCorp Variant Classification Summary - May 2015. Collection method: clinical testing. Allele origin: germline.
Comment: Variant summary: MYH11 c.634-12G>A alters a non-conserved nucleotide located close to a canonical splice site and therefore could affect mRNA splicing, leading to a significantly altered protein sequence. 4/4 computational tools predict no significant impact on normal splicing. However, these predictions have yet to be confirmed by functional studies. The variant allele was found at a frequency of 0.0001 in 248956 control chromosomes, predominantly at a frequency of 0.0002 within the Non-Finnish European subpopulation in the gnomAD database. The observed variant frequency within Non-Finnish European control individuals in the gnomAD database is approximately 16 fold of the estimated maximal expected allele frequency for a pathogenic variant in MYH11 causing Thoracic Aortic Aneurysms And Dissections phenotype (1.3e-05), strongly suggesting that the variant is a benign polymorphism found primarily in populations of Non-Finnish European origin. To our knowledge, no occurrence of c.634-12G>A in individuals affected with Thoracic Aortic Aneurysms And Dissections and no experimental evidence demonstrating its impact on protein function have been reported. Four ClinVar submitters (evaluation after 2014) cite the variant as likely benign. Based on the evidence outlined above, the variant was classified as benign.

Color Diagnostics, LLC DBA Color Health
Classification: Likely benign for Familial thoracic aortic aneurysm and aortic dissection. Last evaluated: 2018-11-14. Review status: criteria provided, single submitter. Criteria: ACMG Guidelines, 2015. Collection method: clinical testing. Allele origin: germline.

GeneDx
Classification: Likely benign. Last evaluated: 2018-06-08. Review status: criteria provided, single submitter. Criteria: GeneDx Variant Classification Process June 2021. Collection method: clinical testing. Allele origin: germline. Affected: yes.

Genome Diagnostics Laboratory, University Medical Center Utrecht
Classification: Likely benign for Aortic aneurysm, familial thoracic 4. Last evaluated: 2016-12-02. Review status: criteria provided, single submitter. Criteria: ACGS Guidelines, 2013. Collection method: clinical testing. Allele origin: germline. Affected: yes. Study: VKGL Data-share Consensus.

Genome Diagnostics Laboratory, Amsterdam University Medical Center
Classification: Likely benign for Aortic aneurysm, familial thoracic 4. Last evaluated: 2017-10-19. Review status: no assertion criteria provided. Criteria: ACGS Guidelines, 2013. Collection method: clinical testing. Allele origin: germline. Affected: yes. Study: VKGL Data-share Consensus. Not counted in ClinVar's aggregate classification.

NM_002474.3(MYH11):c.633+1900G>A

Gene: MYH11 (myosin heavy chain 11; minus strand). Cytogenetic location: 16p13.11.
Variant type: single nucleotide variant.
Coding change: c.633+1900G>A on transcript NM_002474.3 (MANE Select); 1900 bases into the intron after coding-DNA position 633, G replaced by A.
Molecular consequence: intron variant.
Genome position (GRCh38, 1-based): chr16:15,784,730, C>T on the plus strand (G>A on the coding strand, the complement: MYH11 is on the minus strand). VCF-style: chr16-15784730-C-T. GRCh37 (hg19) VCF-style: chr16-15878587-C-T.
Other names: c.633+1900G>A (NM_022844.3); c.634-12G>A (NM_001040114.2, NM_001040113.2).
Identifiers: ClinVar variation 383478 (VCV000383478.18), dbSNP rs371799677, ClinGen allele CA7922888.
Genomic context (GRCh38, chr16:15,784,730, plus strand): 5'-CACCAGGAAAACACTCTCAGTTACTCACGTAGGCAAAAGATGGGCCTTGCTGTGGTTGAA[C>T]AACACAGTATAAAACAAATGTCAGCGTTATTTCCATCACATGGACATCAGGGGCTGGAGA-3'